The following is an entry in ClinVar:

ClinVar aggregate classification (germline): Uncertain significance (1 of 4 stars; one submission).

Allele frequency attached by ClinVar (database versions not stated): TOPMed below 0.00001; gnomAD 0.00001; ExAC 0.00002.

Submission:

Labcorp Genetics (formerly Invitae), Labcorp
Classification: Uncertain significance. Last evaluated: 2023-05-22. Review status: criteria provided, single submitter. Criteria: Invitae Variant Classification Sherloc (09022015). Collection method: clinical testing. Allele origin: germline.
Comment: This sequence change replaces arginine, which is basic and polar, with cysteine, which is neutral and slightly polar, at codon 241 of the KLHDC8B protein (p.Arg241Cys). This variant is present in population databases (rs748760709, gnomAD 0.004%). This variant has not been reported in the literature in individuals affected with KLHDC8B-related conditions. An algorithm developed to predict the effect of missense changes on protein structure and function (PolyPhen-2) suggests that this variant is likely to be disruptive. In summary, the available evidence is currently insufficient to determine the role of this variant in disease. Therefore, it has been classified as a Variant of Uncertain Significance.

NM_173546.3(KLHDC8B):c.721C>T (p.Arg241Cys)

Gene: KLHDC8B (kelch domain containing 8B; plus strand). Cytogenetic location: 3p21.31.
Variant type: single nucleotide variant.
Coding change: c.721C>T on transcript NM_173546.3 (MANE Select); coding-DNA position 721, C replaced by T.
Protein change: p.Arg241Cys; replaces arginine 241 with cysteine.
Molecular consequence: missense variant.
Genome position (GRCh38, 1-based): chr3:49,174,921, C>T. VCF-style: chr3-49174921-C-T. GRCh37 (hg19) VCF-style: chr3-49212354-C-T.
Other names: short protein forms R241C.
Identifiers: ClinVar variation 2867075 (VCV002867075.3), dbSNP rs748760709, ClinGen allele CA2395558.